The following is an entry in ClinVar:

ClinVar aggregate classification (germline): Uncertain significance (1 of 4 stars; one submission).

Allele frequency attached by ClinVar (database versions not stated): gnomAD exomes 0.00001.

Submission:

Labcorp Genetics (formerly Invitae), Labcorp
Classification: Uncertain significance. Last evaluated: 2024-12-16. Review status: criteria provided, single submitter. Criteria: Invitae Variant Classification Sherloc (09022015). Collection method: clinical testing. Allele origin: germline.
Comment: This sequence change falls in intron 16 of the PITPNM3 gene. It does not directly change the encoded amino acid sequence of the PITPNM3 protein. It affects a nucleotide within the consensus splice site. This variant is present in population databases (no rsID available, gnomAD 0.02%). This variant has not been reported in the literature in individuals affected with PITPNM3-related conditions. ClinVar contains an entry for this variant (Variation ID: 1958630). Variants that disrupt the consensus splice site are a relatively common cause of aberrant splicing (PMID: 17576681, 9536098). Algorithms developed to predict the effect of sequence changes on RNA splicing suggest that this variant is not likely to affect RNA splicing. In summary, the available evidence is currently insufficient to determine the role of this variant in disease. Therefore, it has been classified as a Variant of Uncertain Significance.

Literature cited by the submitters: PubMed 17576681; PubMed 9536098.

NM_031220.4(PITPNM3):c.2156+3A>G

Gene: PITPNM3 (PITPNM family member 3; minus strand). Cytogenetic location: 17p13.2.
Variant type: single nucleotide variant.
Coding change: c.2156+3A>G on transcript NM_031220.4 (MANE Select); 3 bases into the intron after coding-DNA position 2156, A replaced by G.
Molecular consequence: intron variant.
Genome position (GRCh38, 1-based): chr17:6,464,167, T>C on the plus strand (A>G on the coding strand, the complement: PITPNM3 is on the minus strand). VCF-style: chr17-6464167-T-C. GRCh37 (hg19) VCF-style: chr17-6367487-T-C.
Other names: c.2048+3A>G (NM_001165966.2).
Identifiers: ClinVar variation 1958630 (VCV001958630.5), dbSNP rs1286541147, ClinGen allele CA624859372.